The following is an entry in ClinVar:

NM_007214.5(SEC63):c.*3498C>T

Gene: SEC63 (SEC63 homolog, protein translocation regulator; minus strand). Cytogenetic location: 6q21.
Variant type: single nucleotide variant.
Coding change: c.*3498C>T on transcript NM_007214.5 (MANE Select); 3498 bases downstream of the stop codon, C replaced by T.
Molecular consequence: 3 prime UTR variant.
Genome position (GRCh38, 1-based): chr6:107,868,206, G>A on the plus strand (C>T on the coding strand, the complement: SEC63 is on the minus strand). VCF-style: chr6-107868206-G-A. GRCh37 (hg19) VCF-style: chr6-108189410-G-A.
Identifiers: ClinVar variation 354818 (VCV000354818.5), dbSNP rs577860076, ClinGen allele CA10625435.

ClinVar aggregate classification (germline): Benign (1 of 4 stars; one submission).

Conditions:
Polycystic liver disease 2 (PCLD2). Also called: Polycystic liver disease 2 with or without kidney cysts. Identifiers: Orphanet 2924, MedGen C4310769, MONDO:0014860, OMIM 617004.

Allele frequency attached by ClinVar (database versions not stated): 1000 Genomes Project 30x 0.00031; TOPMed 0.00094; 1000 Genomes Project 0.00040; gnomAD 0.00137 and 0.00148.

Submission:

Illumina Laboratory Services, Illumina
Classification: Benign for Polycystic liver disease 2. Last evaluated: 2018-01-13. Review status: criteria provided, single submitter. Criteria: ICSL Variant Classification Criteria 13 December 2019. Collection method: clinical testing. Allele origin: germline.
Comment: This variant was observed in the ICSL laboratory as part of a predisposition screen in an ostensibly healthy population. It had not been previously curated by ICSL or reported in the Human Gene Mutation Database (HGMD: prior to June 1st, 2018), and was therefore a candidate for classification through an automated scoring system. Utilizing variant allele frequency, disease prevalence and penetrance estimates, and inheritance mode, an automated score was calculated to assess if this variant is too frequent to cause the disease. Based on the score and internal cut-off values, a variant classified as benign is not then subjected to further curation. The score for this variant resulted in a classification of benign for this disease.